The following is an entry in ClinVar:

ClinVar aggregate classification (germline): Uncertain significance. Review status: criteria provided, multiple submitters, no conflicts (2 of 4 stars). 2 submissions from 2 submitters: Uncertain significance (2). Last evaluated 2025-08-23.

Conditions:
Developmental and epileptic encephalopathy, 9 (DEE9). Also called: Early infantile epileptic encephalopathy 9; EPILEPSY, FEMALE-RESTRICTED, WITH MENTAL RETARDATION; JUBERG-HELLMAN SYNDROME; PCDH19-Related X-Linked Female-Limited Epilepsy with Mental Retardation. Identifiers: Orphanet 101039, Orphanet 2076, MedGen C1848137, MONDO:0010246, OMIM 300088. Disease mechanism: loss of function.
Inborn genetic diseases. Identifiers: MedGen C0950123, MeSH D030342.

Allele frequency attached by ClinVar (database versions not stated): gnomAD exomes below 0.00001; TOPMed 0.00001.
gnomAD v4.1: 4 of 1,211,792 alleles (0.00033%); highest among the groups gnomAD compares: African/African-American, 0.0017%; no homozygotes.

Submissions (2):

Ambry Genetics
Classification: Uncertain significance for Inborn genetic diseases. Last evaluated: 2025-08-23. Review status: criteria provided, single submitter. Criteria: Ambry Variant Classification Scheme 2023. Collection method: clinical testing. Allele origin: germline.

Labcorp Genetics (formerly Invitae), Labcorp
Classification: Uncertain significance for Developmental and epileptic encephalopathy, 9. Last evaluated: 2023-09-30. Review status: criteria provided, single submitter. Criteria: Invitae Variant Classification Sherloc (09022015). Collection method: clinical testing. Allele origin: germline.
Comment: In summary, the available evidence is currently insufficient to determine the role of this variant in disease. Therefore, it has been classified as a Variant of Uncertain Significance. Advanced modeling of protein sequence and biophysical properties (such as structural, functional, and spatial information, amino acid conservation, physicochemical variation, residue mobility, and thermodynamic stability) performed at Invitae indicates that this missense variant is not expected to disrupt PCDH19 protein function. This variant has not been reported in the literature in individuals affected with PCDH19-related conditions. This variant is present in population databases (no rsID available, gnomAD 0.008%). This sequence change replaces lysine, which is basic and polar, with arginine, which is basic and polar, at codon 635 of the PCDH19 protein (p.Lys635Arg).

NM_001184880.2(PCDH19):c.1904A>G (p.Lys635Arg)

Gene: PCDH19 (protocadherin 19; minus strand). Cytogenetic location: Xq22.1.
Variant type: single nucleotide variant.
Coding change: c.1904A>G on transcript NM_001184880.2 (MANE Select); coding-DNA position 1904, A replaced by G.
Protein change: p.Lys635Arg; replaces lysine 635 with arginine.
Molecular consequence: missense variant.
Genome position (GRCh38, 1-based): chrX:100,406,694, T>C on the plus strand (A>G on the coding strand, the complement: PCDH19 is on the minus strand). VCF-style: chrX-100406694-T-C. GRCh37 (hg19) VCF-style: chrX-99661692-T-C.
Other names: c.1904A>G, p.Lys635Arg (NM_001105243.2, NM_020766.3); c.1904A>G (NM_001184880.1); short protein forms K635R.
Identifiers: ClinVar variation 3001561 (VCV003001561.4), dbSNP rs1184258751, ClinGen allele CA414001716.
Genomic context (GRCh38, chrX:100,406,694, plus strand): 5'-GAGGCAGAGAGAGATGTCTTGCCGTGGTCGTGAGCCACCACGATAAGCTCATAGGAGGAC[T>C]TGGAGCTCTCCCCGAAGGTGCGGGTGGTTCTGACTTCGCCATTGACCTGGTCTATTTCAA-3'
Protein context (NP_001171809.1, residues 625-645): RTTRTFGESS[Lys635Arg]SSYELIVVAH